The following is an entry in ClinVar:

NM_023110.3(FGFR1):c.295T>C (p.Tyr99His)

Gene: FGFR1 (fibroblast growth factor receptor 1; minus strand). Cytogenetic location: 8p11.23.
Variant type: single nucleotide variant.
Coding change: c.295T>C on transcript NM_023110.3 (MANE Select); coding-DNA position 295, T replaced by C.
Protein change: p.Tyr99His; replaces tyrosine 99 with histidine.
Molecular consequence: missense variant. On other transcripts: intron variant (5).
Genome position (GRCh38, 1-based): chr8:38,429,745, A>G on the plus strand (T>C on the coding strand, the complement: FGFR1 is on the minus strand). VCF-style: chr8-38429745-A-G. GRCh37 (hg19) VCF-style: chr8-38287263-A-G.
Other names: c.295T>C, p.Tyr99His (NM_001174063.2, NM_001174065.2, NM_001354367.2 and 2 more transcripts); c.271T>C, p.Tyr91His (NM_001174064.2); c.394T>C, p.Tyr132His (NM_001174067.2); c.92-1310T>C (NM_001354368.2, NM_001354370.2, NM_023106.3 and 2 more transcripts); short protein forms Y91H, Y132H, Y99H.
Identifiers: ClinVar variation 948200 (VCV000948200.6), dbSNP rs1822219907, ClinGen allele CA370736259.

ClinVar aggregate classification (germline): Uncertain significance (1 of 4 stars; one submission).

Conditions:
Pfeiffer syndrome (ACS5). Also called: ACS V. Identifiers: Orphanet 710, MedGen C0220658, MONDO:0007043, OMIM 101600.
Hypogonadotropic hypogonadism 2 with or without anosmia (HH2). Also called: HYPOGONADOTROPIC HYPOGONADISM 2 WITH OR WITHOUT ANOSMIA, SUSCEPTIBILITY TO; HYPOGONADOTROPIC HYPOGONADISM 2 WITHOUT ANOSMIA, SUSCEPTIBILITY TO; HYPOGONADOTROPIC HYPOGONADISM 2 WITHOUT ANOSMIA; FGFR1-Related GnRH Deficiency (Kallmann Syndrome 2). Identifiers: Orphanet 478, MedGen C1563720, MONDO:0007844, OMIM 147950. Disease mechanism: loss of function.

Submission:

Labcorp Genetics (formerly Invitae), Labcorp
Classification: Uncertain significance for Pfeiffer syndrome; Hypogonadotropic hypogonadism 2 with or without anosmia. Last evaluated: 2019-04-16. Review status: criteria provided, single submitter. Criteria: Invitae Variant Classification Sherloc (09022015). Collection method: clinical testing. Allele origin: germline.
Comment: This sequence change replaces tyrosine with histidine at codon 99 of the FGFR1 protein (p.Tyr99His). The tyrosine residue is moderately conserved and there is a moderate physicochemical difference between tyrosine and histidine. This variant is not present in population databases (ExAC no frequency). This variant has not been reported in the literature in individuals with FGFR1-related conditions. Algorithms developed to predict the effect of missense changes on protein structure and function are either unavailable or do not agree on the potential impact of this missense change (SIFT: "Deleterious"; PolyPhen-2: "Probably Damaging"; Align-GVGD: "Class C0"). In summary, the available evidence is currently insufficient to determine the role of this variant in disease. Therefore, it has been classified as a Variant of Uncertain Significance.